The following is an entry in ClinVar:

NM_004369.4(COL6A3):c.5356G>A (p.Val1786Ile)

Gene: COL6A3 (collagen type VI alpha 3 chain; minus strand). Cytogenetic location: 2q37.3.
Variant type: single nucleotide variant.
Coding change: c.5356G>A on transcript NM_004369.4 (MANE Select); coding-DNA position 5356, G replaced by A.
Protein change: p.Val1786Ile; replaces valine 1786 with isoleucine.
Molecular consequence: missense variant.
Genome position (GRCh38, 1-based): chr2:237,366,831, C>T on the plus strand (G>A on the coding strand, the complement: COL6A3 is on the minus strand). VCF-style: chr2-237366831-C-T. GRCh37 (hg19) VCF-style: chr2-238275474-C-T.
Other names: c.3535G>A, p.Val1179Ile (NM_057166.5); c.4738G>A, p.Val1580Ile (NM_057167.4); short protein forms V1179I, V1580I, V1786I.
Identifiers: ClinVar variation 1059201 (VCV001059201.9), dbSNP rs2106350461, ClinGen allele CA351187654.

ClinVar aggregate classification (germline): Uncertain significance (1 of 4 stars; one submission).

Conditions:
Bethlem myopathy 1A. Also called: Bethlem Muscular Dystrophy; MYOPATHY, BENIGN CONGENITAL, WITH CONTRACTURES; Bethlem myopathy 1. Identifiers: Orphanet 610, MedGen CN029274, MONDO:0024530, OMIM 158810.

Allele frequency attached by ClinVar (database versions not stated): gnomAD exomes below 0.00001.
gnomAD v4.1: 3 of 1,614,258 alleles (0.00019%); highest among the groups gnomAD compares: East Asian, 0.0022%; no homozygotes.

Submission:

Labcorp Genetics (formerly Invitae), Labcorp
Classification: Uncertain significance for Bethlem myopathy 1A. Last evaluated: 2023-11-04. Review status: criteria provided, single submitter. Criteria: Invitae Variant Classification Sherloc (09022015). Collection method: clinical testing. Allele origin: germline.
Comment: This sequence change replaces valine, which is neutral and non-polar, with isoleucine, which is neutral and non-polar, at codon 1786 of the COL6A3 protein (p.Val1786Ile). This variant is not present in population databases (gnomAD no frequency). This variant has not been reported in the literature in individuals affected with COL6A3-related conditions. ClinVar contains an entry for this variant (Variation ID: 1059201). Advanced modeling of protein sequence and biophysical properties (such as structural, functional, and spatial information, amino acid conservation, physicochemical variation, residue mobility, and thermodynamic stability) performed at Invitae indicates that this missense variant is not expected to disrupt COL6A3 protein function with a negative predictive value of 80%. In summary, the available evidence is currently insufficient to determine the role of this variant in disease. Therefore, it has been classified as a Variant of Uncertain Significance.